The following is an entry in ClinVar:

ClinVar aggregate classification (germline): Pathogenic (1 of 4 stars; one submission).

Conditions:
Marfan syndrome (MFS). Also called: FBN1-Related Marfan Syndrome; MARFAN SYNDROME, TYPE I; Marfan syndrome type 1; Marfan's syndrome; Marfan syndrome, classic. Identifiers: Orphanet 284963, Orphanet 558, MedGen C0024796, MONDO:0007947, OMIM 154700.
Familial thoracic aortic aneurysm and aortic dissection (TAAD). Also called: Thoracic aortic aneurysms and dissections. Identifiers: Orphanet 91387, MedGen C4707243, MONDO:0019625.

Submission:

Labcorp Genetics (formerly Invitae), Labcorp
Classification: Pathogenic for Marfan syndrome; Familial thoracic aortic aneurysm and aortic dissection. Last evaluated: 2019-11-27. Review status: criteria provided, single submitter. Criteria: Invitae Variant Classification Sherloc (09022015). Collection method: clinical testing. Allele origin: germline.
Comment: This variant is not present in population databases (ExAC no frequency). This sequence change creates a premature translational stop signal (p.Gly1542Aspfs*43) in the FBN1 gene. It is expected to result in an absent or disrupted protein product. For these reasons, this variant has been classified as Pathogenic. Loss-of-function variants in FBN1 are known to be pathogenic (PMID: 17657824, 19293843). This variant has not been reported in the literature in individuals with FBN1-related conditions.

Literature cited by the submitters: PubMed 17657824; PubMed 19293843.

NM_000138.5(FBN1):c.4625_4626delinsATAATCTCCATTC (p.Gly1542fs)

Gene: FBN1 (fibrillin 1; minus strand). Cytogenetic location: 15q21.1.
Variant type: Indel.
Coding change: c.4625_4626delinsATAATCTCCATTC on transcript NM_000138.5 (MANE Select); coding-DNA positions 4625 to 4626, GA replaced by ATAATCTCCATTC.
Protein change: p.Gly1542fs; shifts the reading frame from glycine 1542.
Molecular consequence: frameshift variant.
Genome position (GRCh38, 1-based): chr15:48,468,059-48,468,060, TC replaced by GAATGGAGATTAT on the plus strand (GA replaced by ATAATCTCCATTC on the coding strand, the reverse complement: FBN1 is on the minus strand). VCF-style: chr15-48468059-TC-GAATGGAGATTAT. GRCh37 (hg19) VCF-style: chr15-48760256-TC-GAATGGAGATTAT.
Other names: short protein forms G1542fs.
Identifiers: ClinVar variation 966281 (VCV000966281.5), dbSNP rs2043337762, ClinGen allele CA1139663948.